The following is an entry in ClinVar:

ClinVar aggregate classification (germline): Uncertain significance (1 of 4 stars; one submission).

Conditions:
Long QT syndrome (LQTS). Identifiers: MedGen C0023976, MeSH D008133, MONDO:0002442. Disease mechanism: loss of function. Inheritance: Various modes of inheritance.

gnomAD v4.1: 1 of 1,611,916 alleles (0.000062%); no homozygotes.

Submission:

Labcorp Genetics (formerly Invitae), Labcorp
Classification: Uncertain significance for Long QT syndrome. Last evaluated: 2020-12-21. Review status: criteria provided, single submitter. Criteria: Invitae Variant Classification Sherloc (09022015). Collection method: clinical testing. Allele origin: germline.
Comment: In summary, the available evidence is currently insufficient to determine the role of this variant in disease. Therefore, it has been classified as a Variant of Uncertain Significance. Algorithms developed to predict the effect of missense changes on protein structure and function are either unavailable or do not agree on the potential impact of this missense change (SIFT: "Deleterious"; PolyPhen-2: "Benign"; Align-GVGD: "Class C0"). This variant has not been reported in the literature in individuals with AKAP9-related conditions. This variant is not present in population databases (ExAC no frequency). This sequence change replaces arginine with glycine at codon 2173 of the AKAP9 protein (p.Arg2173Gly). The arginine residue is weakly conserved and there is a moderate physicochemical difference between arginine and glycine.

NM_005751.5(AKAP9):c.6517C>G (p.Arg2173Gly)

Gene: AKAP9 (A-kinase anchoring protein 9; plus strand). Cytogenetic location: 7q21.2.
Variant type: single nucleotide variant.
Coding change: c.6517C>G on transcript NM_005751.5 (MANE Select); coding-DNA position 6517, C replaced by G.
Protein change: p.Arg2173Gly; replaces arginine 2173 with glycine.
Molecular consequence: missense variant.
Genome position (GRCh38, 1-based): chr7:92,070,914, C>G. VCF-style: chr7-92070914-C-G. GRCh37 (hg19) VCF-style: chr7-91700228-C-G.
Other names: c.1162C>G, p.Arg388Gly (NM_001379277.1); c.6493C>G, p.Arg2165Gly (NM_147185.3); short protein forms R2165G, R2173G, R388G.
Identifiers: ClinVar variation 1358423 (VCV001358423.8), dbSNP rs773455040, ClinGen allele CA368134387.